The following is an entry in ClinVar:

ClinVar aggregate classification (germline): Pathogenic. Review status: criteria provided, multiple submitters, no conflicts (2 of 4 stars). 3 submissions from 3 submitters: Pathogenic (3). Last evaluated 2026-01-26.

Conditions:
Retinal dystrophy. Also called: Inherited retinal dystrophy. Identifiers: Orphanet 71862, MedGen C0854723, MeSH D058499, MONDO:0019118, HP:0000556.

Submissions (3):

Labcorp Genetics (formerly Invitae), Labcorp
Classification: Pathogenic. Last evaluated: 2026-01-26. Review status: criteria provided, single submitter. Criteria: Invitae Variant Classification Sherloc (09022015). Collection method: clinical testing. Allele origin: germline.
Comment: This sequence change replaces arginine, which is basic and polar, with leucine, which is neutral and non-polar, at codon 135 of the RHO protein (p.Arg135Leu). Information on the frequency of this variant in the gnomAD database is not available, as this variant may be reported differently in the database. This missense change has been observed in individuals with autosomal dominant retinitis pigmentosa (PMID: 1484692, 1862076, 11139241, 17014888, 25408095). It has also been observed to segregate with disease in related individuals. ClinVar contains an entry for this variant (Variation ID: 279882). An algorithm developed to predict the effect of missense changes on protein structure and function (PolyPhen-2) suggests that this variant is likely to be disruptive. Experimental studies have shown that this missense change affects RHO function (PMID: 1924344, 8486634, 9538004, 12646201, 17014888). For these reasons, this variant has been classified as Pathogenic.

GeneDx
Classification: Pathogenic. Last evaluated: 2021-11-29. Review status: criteria provided, single submitter. Criteria: GeneDx Variant Classification Process June 2021. Collection method: clinical testing. Allele origin: germline. Affected: yes.
Comment: In-frame insertion deletion resulting in the R135L missense change; Published functional studies of the c.404_405delGGinsTT variant demonstrate a damaging effect with low level of surface expression (Wan et al., 2019); Not observed at significant frequency in large population cohorts (Lek et al., 2016); In silico analysis supports a deleterious effect on protein structure/function; This variant is associated with the following publications: (PMID: 1862076, 16799052, 30225158, 30977563, 34793169, 34410191)

Blueprint Genetics
Classification: Pathogenic for Retinal dystrophy. Last evaluated: 2019-08-15. Review status: criteria provided, single submitter. Criteria: Blueprint Genetics Variant Classification Scheme. Collection method: clinical testing. Allele origin: germline. Affected: yes.

Literature cited by the submitters: PubMed 1484692 (cited by Labcorp Genetics (formerly Invitae), Labcorp); PubMed 1862076 (cited by Labcorp Genetics (formerly Invitae), Labcorp); PubMed 11139241 (cited by Labcorp Genetics (formerly Invitae), Labcorp); PubMed 17014888 (cited by Labcorp Genetics (formerly Invitae), Labcorp); PubMed 25408095 (cited by Labcorp Genetics (formerly Invitae), Labcorp); PubMed 1924344 (cited by Labcorp Genetics (formerly Invitae), Labcorp); PubMed 8486634 (cited by Labcorp Genetics (formerly Invitae), Labcorp); PubMed 9538004 (cited by Labcorp Genetics (formerly Invitae), Labcorp); PubMed 12646201 (cited by Labcorp Genetics (formerly Invitae), Labcorp).

NM_000539.3(RHO):c.404_405delinsTT (p.Arg135Leu)

Gene: RHO (rhodopsin; plus strand). Cytogenetic location: 3q22.1.
Variant type: Indel.
Coding change: c.404_405delinsTT on transcript NM_000539.3 (MANE Select); coding-DNA positions 404 to 405, GG replaced by TT.
Protein change: p.Arg135Leu; replaces arginine 135 with leucine.
Molecular consequence: missense variant.
Genome position (GRCh38, 1-based): chr3:129,530,918-129,530,919, GG replaced by TT. VCF-style: chr3-129530918-GG-TT. GRCh37 (hg19) VCF-style: chr3-129249761-GG-TT.
Other names: c.404_405delGGinsTT (NM_000539.3); short protein forms R135L.
Identifiers: ClinVar variation 279882 (VCV000279882.12), dbSNP rs886041233, ClinGen allele CA10602881.
Genomic context (GRCh38, chr3:129,530,918, plus strand): 5'-CTGCTGACTGCCTTGCAGGTGAAATTGCCCTGTGGTCCTTGGTGGTCCTGGCCATCGAGC[GG>TT]TACGTGGTGGTGTGTAAGCCCATGAGCAACTTCCGCTTCGGGGAGAACCATGCCATCATG-3'
Protein context (NP_000530.1, residues 125-145): LWSLVVLAIE[Arg135Leu]YVVVCKPMSN